The following is an entry in ClinVar:

NM_020937.4(FANCM):c.2852A>G (p.Asp951Gly)

Gene: FANCM (FA complementation group M; plus strand). Cytogenetic location: 14q21.2.
Variant type: single nucleotide variant.
Coding change: c.2852A>G on transcript NM_020937.4 (MANE Select); coding-DNA position 2852, A replaced by G.
Protein change: p.Asp951Gly; replaces aspartic acid 951 with glycine.
Molecular consequence: missense variant.
Genome position (GRCh38, 1-based): chr14:45,175,606, A>G. VCF-style: chr14-45175606-A-G. GRCh37 (hg19) VCF-style: chr14-45644809-A-G.
Other names: c.2774A>G, p.Asp925Gly (NM_001308133.2); short protein forms D925G, D951G.
Identifiers: ClinVar variation 856451 (VCV000856451.11), dbSNP rs760309916, ClinGen allele CA7169419.
Genomic context (GRCh38, chr14:45,175,606, plus strand): 5'-ATAAATCCACTAGTTCACTTGCTGGAAATGTTTTAGATTCTGGTTATAACAGTTTCAATG[A>G]TGAAAAATCTGTTTCATCTAACTTATTTCTTCCATTCGAAGAAGAGCTTTATATTGTTAG-3'
Protein context (NP_065988.1, residues 941-961): VLDSGYNSFN[Asp951Gly]EKSVSSNLFL

ClinVar aggregate classification (germline): Uncertain significance. Review status: criteria provided, multiple submitters, no conflicts (2 of 4 stars). 3 submissions from 3 submitters: Uncertain significance (3). Last evaluated 2025-01-09.

Conditions:
Fanconi anemia (FA). Also called: Fanconi's anemia. Identifiers: Orphanet 84, MedGen C0015625, MeSH D005199, MONDO:0019391.
Inborn genetic diseases. Identifiers: MedGen C0950123, MeSH D030342.

Allele frequency attached by ClinVar (database versions not stated): gnomAD exomes below 0.00001; ExAC 0.00001; gnomAD 0.00001; TOPMed 0.00001.
gnomAD v4.1: 3 of 1,613,576 alleles (0.00019%); highest among the groups gnomAD compares: East Asian, 0.0067%; no homozygotes.

Submissions (3):

Ambry Genetics
Classification: Uncertain significance for Inborn genetic diseases. Last evaluated: 2025-01-09. Review status: criteria provided, single submitter. Criteria: Ambry Variant Classification Scheme 2023. Collection method: clinical testing. Allele origin: germline.
Comment: The p.D951G variant (also known as c.2852A>G), located in coding exon 14 of the FANCM gene, results from an A to G substitution at nucleotide position 2852. The aspartic acid at codon 951 is replaced by glycine, an amino acid with similar properties. This amino acid position is conserved. In addition, this alteration is predicted to be tolerated by in silico analysis. Based on the available evidence, the clinical significance of this variant remains unclear.

Labcorp Genetics (formerly Invitae), Labcorp
Classification: Uncertain significance for Fanconi anemia. Last evaluated: 2024-09-04. Review status: criteria provided, single submitter. Criteria: Invitae Variant Classification Sherloc (09022015). Collection method: clinical testing. Allele origin: germline.
Comment: This sequence change replaces aspartic acid, which is acidic and polar, with glycine, which is neutral and non-polar, at codon 951 of the FANCM protein (p.Asp951Gly). This variant is present in population databases (rs760309916, gnomAD 0.006%). This variant has not been reported in the literature in individuals affected with FANCM-related conditions. ClinVar contains an entry for this variant (Variation ID: 856451). An algorithm developed to predict the effect of missense changes on protein structure and function (PolyPhen-2) suggests that this variant is likely to be tolerated. In summary, the available evidence is currently insufficient to determine the role of this variant in disease. Therefore, it has been classified as a Variant of Uncertain Significance.

GeneDx
Classification: Uncertain significance. Last evaluated: 2023-07-05. Review status: criteria provided, single submitter. Criteria: GeneDx Variant Classification Process June 2021. Collection method: clinical testing. Allele origin: germline. Affected: yes.
Comment: Not observed at significant frequency in large population cohorts (gnomAD); In silico analysis supports that this missense variant has a deleterious effect on protein structure/function; Has not been previously published as pathogenic or benign to our knowledge